The following is an entry in ClinVar:

NM_020812.4(DOCK6):c.2104G>A (p.Gly702Ser)

Gene: DOCK6 (dedicator of cytokinesis 6; minus strand). Cytogenetic location: 19p13.2.
Variant type: single nucleotide variant.
Coding change: c.2104G>A on transcript NM_020812.4 (MANE Select); coding-DNA position 2104, G replaced by A.
Protein change: p.Gly702Ser; replaces glycine 702 with serine.
Molecular consequence: missense variant.
Genome position (GRCh38, 1-based): chr19:11,236,849, C>T on the plus strand (G>A on the coding strand, the complement: DOCK6 is on the minus strand). VCF-style: chr19-11236849-C-T. GRCh37 (hg19) VCF-style: chr19-11347525-C-T.
Other names: c.2104G>A, p.Gly702Ser (NM_001367830.1); short protein forms G702S.
Identifiers: ClinVar variation 523606 (VCV000523606.36), dbSNP rs199838752, ClinGen allele CA9207731.

ClinVar aggregate classification (germline): Conflicting classifications of pathogenicity. Review status: criteria provided, conflicting classifications (1 of 4 stars). 5 submissions from 5 submitters: Uncertain significance (1); Benign (2); Likely benign (1). 1 of the submissions does not count toward it. Last evaluated 2026-01-19.

Conditions:
Adams-Oliver syndrome 2 (AOS2). Identifiers: Orphanet 974, MedGen C3280182, MONDO:0013635, OMIM 614219.
DOCK6-related disorder. Also called: DOCK6-related condition.

Allele frequency attached by ClinVar (database versions not stated): ESP Exome Variant Server 0.00083; gnomAD 0.00102 and 0.00131; TOPMed 0.00102; 1000 Genomes Project 0.00200; 1000 Genomes Project 30x 0.00250; gnomAD exomes 0.00284; ExAC 0.00616.

Submissions (5):

Labcorp Genetics (formerly Invitae), Labcorp
Classification: Benign. Last evaluated: 2026-01-19. Review status: criteria provided, single submitter. Criteria: Invitae Variant Classification Sherloc (09022015). Collection method: clinical testing. Allele origin: germline.

CeGaT Center for Human Genetics Tuebingen
Classification: Benign. Last evaluated: 2024-09-01. Review status: criteria provided, single submitter. Criteria: CeGaT Center For Human Genetics Tuebingen Variant Classification Criteria Version 2. Collection method: clinical testing. Allele origin: germline. Affected: yes. Observed: 4 variant alleles.
Comment: DOCK6: BS1, BS2

GeneDx
Classification: Likely benign. Last evaluated: 2021-05-21. Review status: criteria provided, single submitter. Criteria: GeneDx Variant Classification Process June 2021. Collection method: clinical testing. Allele origin: germline. Affected: yes.

Centre of Medical Genetics, University of Antwerp
Classification: Uncertain significance for Adams-Oliver syndrome 2. Last evaluated: 2017-12-01. Review status: criteria provided, single submitter. Criteria: Criteria for classifying variants, Center of Medical Genetics Antwerp, 2018. Collection method: research. Allele origin: unknown. Affected: yes.

PreventionGenetics, part of Exact Sciences
Classification: Benign for DOCK6-related condition. Last evaluated: 2019-12-24. Review status: no assertion criteria provided. Collection method: clinical testing. Allele origin: germline. Not counted in ClinVar's aggregate classification.
Comment: This variant is classified as benign based on ACMG/AMP sequence variant interpretation guidelines (Richards et al. 2015 PMID: 25741868, with internal and published modifications).

Literature cited by the submitters: PubMed 29924900 (cited by Centre of Medical Genetics, University of Antwerp).